The following is an entry in ClinVar:

NM_005523.6(HOXA11):c.709+4C>G

Genes: HOXA11 (homeobox A11; minus strand), LOC107126281 (NUP98-HOXA11 recombination region; plus strand). Cytogenetic location: 7p15.2.
Variant type: single nucleotide variant.
Coding change: c.709+4C>G on transcript NM_005523.6 (MANE Select); 4 bases into the intron after coding-DNA position 709, C replaced by G.
Molecular consequence: intron variant.
Genome position (GRCh38, 1-based): chr7:27,184,432, G>C on the plus strand (C>G on the coding strand, the complement: HOXA11 is on the minus strand). VCF-style: chr7-27184432-G-C. GRCh37 (hg19) VCF-style: chr7-27224051-G-C.
Identifiers: ClinVar variation 4688283 (VCV004688283.5).

ClinVar aggregate classification (germline): Conflicting classifications of pathogenicity. Review status: criteria provided, conflicting classifications (1 of 4 stars). 2 submissions from 2 submitters: Uncertain significance (1); Likely benign (1). Last evaluated 2026-01-01.

gnomAD v4.1: 67 of 1,578,076 alleles (0.0042%); highest among the groups gnomAD compares: South Asian, 0.0069%; no homozygotes.

Submissions (2):

CeGaT Center for Human Genetics Tuebingen
Classification: Likely benign. Last evaluated: 2026-01-01. Review status: criteria provided, single submitter. Criteria: CeGaT Center For Human Genetics Tuebingen Variant Classification Criteria Version 2. Collection method: clinical testing. Allele origin: germline. Affected: yes. Observed: 1 variant allele.
Comment: HOXA11: PP3, BS1

Women's Health and Genetics/Laboratory Corporation of America, LabCorp
Classification: Uncertain significance. Last evaluated: 2025-12-15. Review status: criteria provided, single submitter. Criteria: LabCorp Variant Classification Summary - May 2015. Collection method: clinical testing. Allele origin: germline.
Comment: Variant summary: HOXA11 c.709+4C>G alters a conserved nucleotide located close to a canonical splice site and therefore could affect mRNA splicing, leading to a significantly altered protein sequence. Several computational tools predict a significant impact on normal splicing: Two predict the variant weakens a 5' donor site. Three predict the variant creates a 5' donor site. However, these predictions have yet to be confirmed by functional studies. The variant allele was found at a frequency of 5.2e-05 in 191300 control chromosomes (gnomAD). This frequency is not significantly higher than estimated for disease-causing variants in HOXA11, allowing no conclusion about variant significance. To our knowledge, no occurrence of c.709+4C>G in individuals affected with HOXA11-related conditions and no experimental evidence demonstrating its impact on protein function have been reported. No submitters have cited clinical-significance assessments for this variant to ClinVar. Based on the evidence outlined above, the variant was classified as uncertain significance.